The following is an entry in ClinVar:

NM_175914.5(HNF4A):c.575_582+10del

Gene: HNF4A (hepatocyte nuclear factor 4 alpha; plus strand). Cytogenetic location: 20q13.12.
Variant type: Deletion.
Coding change: c.575_582+10del on transcript NM_175914.5 (MANE Select); coding-DNA position 575 through 10 bases into the intron after coding-DNA position 582, 18 bases deleted (ACGACCAGGTGAGGATGG).
Molecular consequence: splice donor variant.
Genome position (GRCh38, 1-based): chr20:44,414,655-44,414,672, ACGACCAGGTGAGGATGG deleted; deleting any 18 consecutive bases within chr20:44,414,652-44,414,672 gives the same sequence; the c. name uses the placement nearest the transcript's 3' end. VCF-style (leftmost placement, unchanged base first): chr20-44414651-CTGGACGACCAGGTGAGGA-C. GRCh37 (hg19) VCF-style: chr20-43043291-CTGGACGACCAGGTGAGGA-C.
Other names: c.641_648+10delACGACCAGGTGAGGATGG (NM_000457.3); c.566_573+10del (NM_001287182.2, NM_001287183.2, NM_001287184.2); c.575_582+10del (NM_001030003.3, NM_001030004.3); c.620_627+10del (NM_001258355.2); c.641_648+10del (NM_178849.3, NM_000457.6, NM_178850.3).
Identifiers: ClinVar variation 36355 (VCV000036355.5), dbSNP rs193922475, ClinGen allele CA213965.

ClinVar aggregate classification (germline): Likely pathogenic. Review status: reviewed by expert panel (3 of 4 stars). 3 submissions from 3 submitters: Likely pathogenic (1). 2 of the submissions do not count toward it. Last evaluated 2024-05-09.

Conditions:
Monogenic diabetes. Identifiers: Orphanet 183625, MedGen C3888631, MONDO:0015967.
Maturity-onset diabetes of the young (MODY). Also called: Maturity onset diabetes mellitus in young. Identifiers: Orphanet 552, MedGen C0342276, MONDO:0018911, HP:0004904.
Maturity-onset diabetes of the young type 1. Also called: MILD JUVENILE DIABETES MELLITUS; MODY, type I; MODY type 1; Diabetes mellitus MODY type 1; MODY HNF4A related; HNF4A-Related Maturity-Onset Diabetes of the Young Type 1. Identifiers: Orphanet 552, MedGen C1852093, MONDO:0007452, OMIM 125850. Disease mechanism: loss of function.

Submissions (3):

ClinGen Monogenic Diabetes Variant Curation Expert Panel
Classification: Likely pathogenic for Monogenic diabetes. Last evaluated: 2024-05-09. Review status: reviewed by expert panel. Criteria: ClinGen Diabetes ACMG Specifications HNF4A V2.0.0. Collection method: curation. Allele origin: germline. Inheritance: Autosomal dominant inheritance.
Comment: The c.575_582+10del variant in the hepatocyte nuclear factor 4-alpha gene, HNF4A, is predicted to remove a canonical splice donor site in intron 5 of NM_175914.5. This variant, located in biologically relevant exon 5, is predicted to disrupt the canonical splice site and lead to nonsense mediated decay in a gene in which loss-of-function is an established disease mechanism (PVS1; PMID: 23348805). This variant is absent in gnomAD v2.1.1 (PM2_Supporting). Additionally, this variant was identified in an individual with diabetes; however, the MODY probability is unable to be calculated due to lack of clinical information (ClinVar ID: 36355). In summary, the c.575_582+10del meets the criteria to be classified as likely pathogenic for monogenic diabetes. ACMG/AMP criteria applied, as specified by the ClinGen MDEP (specification version 2.0.0, approved 10/11/2023): PVS1, PM2_Supporting

Women's Health and Genetics/Laboratory Corporation of America, LabCorp
Classification: Likely pathogenic for MODY1. Last evaluated: 2011-08-18. Review status: criteria provided, single submitter. Criteria: LabCorp Variant Classification Summary - May 2015. Collection method: curation, clinical testing. Allele origin: germline. Inheritance: autosomal unknown. Affected: yes. Not counted in ClinVar's aggregate classification.
ClinVar note: Converted during submission from likely pathogenic to Likely pathogenic.

Clinical Genomics, Uppaluri K&H Personalized Medicine Clinic
Classification: Likely risk allele for Maturity-onset diabetes of the young. Review status: criteria provided, single submitter. Criteria: K & H Uppaluri Personalized Medicine Clinic Variant Classification & Assertion Criteria_Updated V.1. Collection method: research. Allele origin: unknown. Inheritance: Autosomal dominant inheritance. Not counted in ClinVar's aggregate classification.
Comment: Potent mutations in HNF4A are associated with poor insulin secretion in response to hyperglycemia. Associated with MODY1. Patients initially respond well to sulfonylureas but eventually become insulin dependent. However, more evidence is required to ascertain the role of this particular variant rs193922475 in MODY, yet.

Literature cited by the submitters: PubMed 18268044 (cited by Clinical Genomics, Uppaluri K&H Personalized Medicine Clinic); PubMed 17563455 (cited by Clinical Genomics, Uppaluri K&H Personalized Medicine Clinic); PubMed 32583173 (cited by Clinical Genomics, Uppaluri K&H Personalized Medicine Clinic); PubMed 35052457 (cited by Clinical Genomics, Uppaluri K&H Personalized Medicine Clinic); PubMed 35118593 (cited by Clinical Genomics, Uppaluri K&H Personalized Medicine Clinic); DOI 10.1159/000334532 (cited by Clinical Genomics, Uppaluri K&H Personalized Medicine Clinic).